The following is an entry in ClinVar:

ClinVar aggregate classification (germline): Uncertain significance. Review status: criteria provided, multiple submitters, no conflicts (2 of 4 stars). 2 submissions from 2 submitters: Uncertain significance (2). Last evaluated 2025-09-21.

Allele frequency attached by ClinVar (database versions not stated): ExAC 0.00001.
gnomAD v4.1: 19 of 1,571,230 alleles (0.0012%); highest among the groups gnomAD compares: Admixed American, 0.029%; 1 homozygote.

Submissions (2):

Labcorp Genetics (formerly Invitae), Labcorp
Classification: Uncertain significance. Last evaluated: 2025-09-21. Review status: criteria provided, single submitter. Criteria: Invitae Variant Classification Sherloc (09022015). Collection method: clinical testing. Allele origin: germline.
Comment: This sequence change replaces isoleucine, which is neutral and non-polar, with valine, which is neutral and non-polar, at codon 255 of the RFWD3 protein (p.Ile255Val). This variant is present in population databases (rs751527081, gnomAD 0.009%). This variant has not been reported in the literature in individuals affected with RFWD3-related conditions. ClinVar contains an entry for this variant (Variation ID: 2594757). An algorithm developed to predict the effect of missense changes on protein structure and function outputs the following: PolyPhen-2: "Benign". The valine amino acid residue is found in multiple mammalian species, which suggests that this missense change does not adversely affect protein function. In summary, the available evidence is currently insufficient to determine the role of this variant in disease. Therefore, it has been classified as a Variant of Uncertain Significance.

Ambry Genetics
Classification: Uncertain significance. Last evaluated: 2023-08-20. Review status: criteria provided, single submitter. Criteria: Ambry Variant Classification Scheme 2023. Collection method: clinical testing. Allele origin: germline.

NM_018124.4(RFWD3):c.763A>G (p.Ile255Val)

Gene: RFWD3 (ring finger and WD repeat domain 3; minus strand). Cytogenetic location: 16q23.1.
Variant type: single nucleotide variant.
Coding change: c.763A>G on transcript NM_018124.4 (MANE Select); coding-DNA position 763, A replaced by G.
Protein change: p.Ile255Val; replaces isoleucine 255 with valine.
Molecular consequence: missense variant. On other transcripts: 5 prime UTR variant (3), intron variant (2).
Genome position (GRCh38, 1-based): chr16:74,649,161, T>C on the plus strand (A>G on the coding strand, the complement: RFWD3 is on the minus strand). VCF-style: chr16-74649161-T-C. GRCh37 (hg19) VCF-style: chr16-74683059-T-C.
Other names: c.763A>G, p.Ile255Val (NM_001370534.1, NM_001370535.1, NM_001370536.1); c.-246A>G (NM_001370537.1); c.-72A>G (NM_001370539.1, NM_001370540.1, NM_001370541.1); c.-43+2759A>G (NM_001370543.1); c.-164-83A>G (NM_001370542.1); short protein forms I255V.
Identifiers: ClinVar variation 2594757 (VCV002594757.5), dbSNP rs751527081, ClinGen allele CA8169458.